The following is an entry in ClinVar:

NM_025243.4(SLC19A3):c.523A>G (p.Ile175Val)

Gene: SLC19A3 (solute carrier family 19 member 3; minus strand). Cytogenetic location: 2q36.3.
Variant type: single nucleotide variant.
Coding change: c.523A>G on transcript NM_025243.4 (MANE Select); coding-DNA position 523, A replaced by G.
Protein change: p.Ile175Val; replaces isoleucine 175 with valine.
Molecular consequence: missense variant.
Genome position (GRCh38, 1-based): chr2:227,699,192, T>C on the plus strand (A>G on the coding strand, the complement: SLC19A3 is on the minus strand). VCF-style: chr2-227699192-T-C. GRCh37 (hg19) VCF-style: chr2-228563908-T-C.
Other names: c.523A>G, p.Ile175Val (NM_001371411.1, NM_001371412.1); c.511A>G, p.Ile171Val (NM_001371413.1, NM_001371414.1); short protein forms I171V, I175V.
Identifiers: ClinVar variation 1959764 (VCV001959764.5), dbSNP rs760275734, ClinGen allele CA2149277.

ClinVar aggregate classification (germline): Uncertain significance (1 of 4 stars; one submission).

Conditions:
Biotin-responsive basal ganglia disease (BTBGD). Also called: Thiamine metabolism dysfunction syndrome type 2; THIAMINE METABOLISM DYSFUNCTION SYNDROME 2 (BIOTIN- AND THIAMINE-RESPONSIVE TYPE); Thiamine metabolism dysfunction syndrome 2 (biotin- or thiamine-responsive encephalopathy type 2); thiamine-responsive encephalopathy; Thiamine Transporter-2 Deficiency. Identifiers: Orphanet 199348, Orphanet 65284, MedGen C1843807, MONDO:0011841, OMIM 607483.

Allele frequency attached by ClinVar (database versions not stated): gnomAD exomes below 0.00001; ExAC 0.00002.
gnomAD v4.1: 2 of 1,614,096 alleles (0.00012%); highest among the groups gnomAD compares: Admixed American, 0.0033%; no homozygotes.

Submission:

Labcorp Genetics (formerly Invitae), Labcorp
Classification: Uncertain significance for Biotin-responsive basal ganglia disease. Last evaluated: 2022-05-04. Review status: criteria provided, single submitter. Criteria: Invitae Variant Classification Sherloc (09022015). Collection method: clinical testing. Allele origin: germline.
Comment: Advanced modeling of protein sequence and biophysical properties (such as structural, functional, and spatial information, amino acid conservation, physicochemical variation, residue mobility, and thermodynamic stability) performed at Invitae indicates that this missense variant is not expected to disrupt SLC19A3 protein function. This variant has not been reported in the literature in individuals affected with SLC19A3-related conditions. This variant is present in population databases (rs760275734, gnomAD 0.006%). This sequence change replaces isoleucine, which is neutral and non-polar, with valine, which is neutral and non-polar, at codon 175 of the SLC19A3 protein (p.Ile175Val). In summary, the available evidence is currently insufficient to determine the role of this variant in disease. Therefore, it has been classified as a Variant of Uncertain Significance.